The following is an entry in ClinVar:

ClinVar aggregate classification (germline): Uncertain significance (1 of 4 stars; one submission).

Conditions:
Hereditary cancer-predisposing syndrome. Also called: Neoplastic Syndromes, Hereditary; Tumor predisposition; Hereditary Cancer Syndrome; Hereditary neoplastic syndrome. Identifiers: Orphanet 140162, MedGen C0027672, MeSH D009386, MONDO:0015356.

Submission:

Ambry Genetics
Classification: Uncertain significance for Hereditary cancer-predisposing syndrome. Last evaluated: 2025-12-07. Review status: criteria provided, single submitter. Criteria: Ambry Variant Classification Scheme 2023. Collection method: clinical testing. Allele origin: germline.
Comment: The p.R223S variant (also known as c.667C>A), located in coding exon 7 of the MITF gene, results from a C to A substitution at nucleotide position 667. The arginine at codon 223 is replaced by serine, an amino acid with dissimilar properties. This amino acid position is conserved. In addition, this alteration is predicted to be deleterious by in silico analysis. Based on the available evidence, the clinical significance of this variant remains unclear.

NM_001354604.2(MITF):c.988C>A (p.Arg330Ser)

Gene: MITF (melanocyte inducing transcription factor; plus strand). Cytogenetic location: 3p13.
Variant type: single nucleotide variant.
Coding change: c.988C>A on transcript NM_001354604.2 (MANE Select); coding-DNA position 988, C replaced by A.
Protein change: p.Arg330Ser; replaces arginine 330 with serine.
Molecular consequence: missense variant.
Genome position (GRCh38, 1-based): chr3:69,956,487, C>A. VCF-style: chr3-69956487-C-A. GRCh37 (hg19) VCF-style: chr3-70005638-C-A.
Other names: c.667C>A, p.Arg223Ser (NM_000248.4); c.814C>A, p.Arg272Ser (NM_001184967.2, NM_001354608.2); c.985C>A, p.Arg329Ser (NM_001354605.2); c.967C>A, p.Arg323Ser (NM_001354606.2, NM_006722.3); c.919C>A, p.Arg307Ser (NM_001354607.2); c.649C>A, p.Arg217Ser (NM_198158.3); c.970C>A, p.Arg324Ser (NM_198159.3); c.922C>A, p.Arg308Ser (NM_198177.3); and 1 more; short protein forms R307S, R330S, R272S, R323S, R161S, R308S, R324S, R329S.
Identifiers: ClinVar variation 4648859 (VCV004648859.1).
Genomic context (GRCh38, chr3:69,956,487, plus strand): 5'-TAGCCTTTCCTGTGCTCTTTTCTTGAAGTTGAACGAAGAAGAAGATTTAACATAAATGAC[C>A]GCATTAAAGAACTAGGTACTTTGATTCCCAAGTCAAATGATCCGTGAGTACAATCGCGTG-3'
Protein context (NP_001341533.1, residues 320-340): ERRRRFNIND[Arg330Ser]IKELGTLIPK